The following is an entry in ClinVar:

NM_006766.5(KAT6A):c.584C>T (p.Pro195Leu)

Gene: KAT6A (lysine acetyltransferase 6A; minus strand). Cytogenetic location: 8p11.21.
Variant type: single nucleotide variant.
Coding change: c.584C>T on transcript NM_006766.5 (MANE Select); coding-DNA position 584, C replaced by T.
Protein change: p.Pro195Leu; replaces proline 195 with leucine.
Molecular consequence: missense variant.
Genome position (GRCh38, 1-based): chr8:42,048,394, G>A on the plus strand (C>T on the coding strand, the complement: KAT6A is on the minus strand). VCF-style: chr8-42048394-G-A. GRCh37 (hg19) VCF-style: chr8-41905912-G-A.
Other names: c.584C>T, p.Pro195Leu (NM_001305878.2); short protein forms P195L.
Identifiers: ClinVar variation 2817119 (VCV002817119.3), dbSNP rs2487059629, ClinGen allele CA371174366.

ClinVar aggregate classification (germline): Uncertain significance (1 of 4 stars; one submission).

Submission:

Labcorp Genetics (formerly Invitae), Labcorp
Classification: Uncertain significance. Last evaluated: 2022-11-28. Review status: criteria provided, single submitter. Criteria: Invitae Variant Classification Sherloc (09022015). Collection method: clinical testing. Allele origin: germline.
Comment: This sequence change replaces proline, which is neutral and non-polar, with leucine, which is neutral and non-polar, at codon 195 of the KAT6A protein (p.Pro195Leu). This variant is not present in population databases (gnomAD no frequency). This variant has not been reported in the literature in individuals affected with KAT6A-related conditions. Advanced modeling of protein sequence and biophysical properties (such as structural, functional, and spatial information, amino acid conservation, physicochemical variation, residue mobility, and thermodynamic stability) performed at Invitae indicates that this missense variant is not expected to disrupt KAT6A protein function. In summary, the available evidence is currently insufficient to determine the role of this variant in disease. Therefore, it has been classified as a Variant of Uncertain Significance.